The following is an entry in ClinVar:

NM_005560.6(LAMA5):c.7610A>C (p.Asp2537Ala)

Gene: LAMA5 (laminin subunit alpha 5; minus strand). Cytogenetic location: 20q13.33.
Variant type: single nucleotide variant.
Coding change: c.7610A>C on transcript NM_005560.6 (MANE Select); coding-DNA position 7610, A replaced by C.
Protein change: p.Asp2537Ala; replaces aspartic acid 2537 with alanine.
Molecular consequence: missense variant.
Genome position (GRCh38, 1-based): chr20:62,316,925, T>G on the plus strand (A>C on the coding strand, the complement: LAMA5 is on the minus strand). VCF-style: chr20-62316925-T-G. GRCh37 (hg19) VCF-style: chr20-60891981-T-G.
Other names: c.7610A>C (NM_005560.3); short protein forms D2537A.
Identifiers: ClinVar variation 2076840 (VCV002076840.5), dbSNP rs946646129, ClinGen allele CA317242072.

ClinVar aggregate classification (germline): Uncertain significance. Review status: criteria provided, multiple submitters, no conflicts (2 of 4 stars). 2 submissions from 2 submitters: Uncertain significance (2). Last evaluated 2025-06-12.

Conditions:
Inborn genetic diseases. Identifiers: MedGen C0950123, MeSH D030342.

Allele frequency attached by ClinVar (database versions not stated): TOPMed 0.00004; gnomAD 0.00007.
gnomAD v4.1: 20 of 1,553,206 alleles (0.0013%); highest among the groups gnomAD compares: African/African-American, 0.026%; no homozygotes.

Submissions (2):

Labcorp Genetics (formerly Invitae), Labcorp
Classification: Uncertain significance. Last evaluated: 2025-06-12. Review status: criteria provided, single submitter. Criteria: Invitae Variant Classification Sherloc (09022015). Collection method: clinical testing. Allele origin: germline.
Comment: This sequence change replaces aspartic acid, which is acidic and polar, with alanine, which is neutral and non-polar, at codon 2537 of the LAMA5 protein (p.Asp2537Ala). This variant is present in population databases (no rsID available, gnomAD 0.03%). This variant has not been reported in the literature in individuals affected with LAMA5-related conditions. ClinVar contains an entry for this variant (Variation ID: 2076840). Invitae Evidence Modeling of protein sequence and biophysical properties (such as structural, functional, and spatial information, amino acid conservation, physicochemical variation, residue mobility, and thermodynamic stability) indicates that this missense variant is not expected to disrupt LAMA5 protein function with a negative predictive value of 80%. In summary, the available evidence is currently insufficient to determine the role of this variant in disease. Therefore, it has been classified as a Variant of Uncertain Significance.

Ambry Genetics
Classification: Uncertain significance for Inborn genetic diseases. Last evaluated: 2025-02-10. Review status: criteria provided, single submitter. Criteria: Ambry Variant Classification Scheme 2023. Collection method: clinical testing. Allele origin: germline.